The following is an entry in ClinVar:

ClinVar aggregate classification (germline): Benign (1 of 4 stars; one submission).

Conditions:
Leigh syndrome (NULS). Also called: Leigh's necrotizing encephalopathy; Leigh's disease; Leigh's syndrome; LEIGH SYNDROME, NUCLEAR; Leigh Syndrome (mtDNA deletion); Leigh Disease. Identifiers: Orphanet 506, MedGen C2931891, MONDO:0009723, OMIM 256000.

Submission:

Wong Mito Lab, Molecular and Human Genetics, Baylor College of Medicine
Classification: Benign for Leigh syndrome. Last evaluated: 2019-10-17. Review status: criteria provided, single submitter. Criteria: Modified ACMG Guidelines (Unpublished). Collection method: clinical testing. Allele origin: germline.
Comment: The NC_012920.1:m.15777G>C (YP_003024038.1:p.Ser344Thr) variant in MTCYB gene is interpretated to be a Benign variant based on the modified ACMG guidelines (unpublished). This variant meets the following evidence codes: BS1, BS2, BP4

NC_012920.1(MT-CYB):m.15777G>C

Gene: MT-CYB (mitochondrially encoded cytochrome b; plus strand).
Variant type: single nucleotide variant.
Genome position: chrM-15777-G-C.
Identifiers: ClinVar variation 693950 (VCV000693950.1), dbSNP rs879182710, ClinGen allele CA913174810.
Genomic context (GRCh38, chrMT:15,777, plus strand): 5'-TTTATTGACTCCTAGCCGCAGACCTCCTCATTCTAACCTGAATCGGAGGACAACCAGTAA[G>C]CTACCCTTTTACCATCATTGGACAAGTAGCATCCGTACTATACTTCACAACAATCCTAAT-3'